The following is an entry in ClinVar:

ClinVar aggregate classification (germline): Uncertain significance (1 of 4 stars; one submission).

Submission:

GeneDx
Classification: Uncertain significance. Last evaluated: 2022-07-15. Review status: criteria provided, single submitter. Criteria: GeneDx Variant Classification Process June 2021. Collection method: clinical testing. Allele origin: germline. Affected: yes.
Comment: Not observed at significant frequency in large population cohorts (gnomAD); In silico analysis supports that this missense variant does not alter protein structure/function; Has not been previously published as pathogenic or benign to our knowledge

NM_001042681.2(RERE):c.3299A>G (p.Asp1100Gly)

Gene: RERE (arginine-glutamic acid dipeptide repeats; minus strand). Cytogenetic location: 1p36.23.
Variant type: single nucleotide variant.
Coding change: c.3299A>G on transcript NM_001042681.2 (MANE Select); coding-DNA position 3299, A replaced by G.
Protein change: p.Asp1100Gly; replaces aspartic acid 1100 with glycine.
Molecular consequence: missense variant.
Genome position (GRCh38, 1-based): chr1:8,360,208, T>C on the plus strand (A>G on the coding strand, the complement: RERE is on the minus strand). VCF-style: chr1-8360208-T-C. GRCh37 (hg19) VCF-style: chr1-8420268-T-C.
Other names: c.1637A>G, p.Asp546Gly (NM_001042682.2); c.3299A>G, p.Asp1100Gly (NM_012102.4); short protein forms D1100G, D546G.
Identifiers: ClinVar variation 1878981 (VCV001878981.1), dbSNP rs2522710673, ClinGen allele CA338170878.